The following is an entry in ClinVar:

NM_001267550.2(TTN):c.23251A>G (p.Thr7751Ala)

Gene: TTN (titin; minus strand). Cytogenetic location: 2q31.2.
Variant type: single nucleotide variant.
Coding change: c.23251A>G on transcript NM_001267550.2 (MANE Select); coding-DNA position 23251, A replaced by G.
Protein change: p.Thr7751Ala; replaces threonine 7751 with alanine.
Molecular consequence: missense variant. On other transcripts: intron variant (3).
Genome position (GRCh38, 1-based): chr2:178,720,511, T>C on the plus strand (A>G on the coding strand, the complement: TTN is on the minus strand). VCF-style: chr2-178720511-T-C. GRCh37 (hg19) VCF-style: chr2-179585238-T-C.
Other names: c.22300A>G, p.Thr7434Ala (NM_001256850.1); c.19519A>G, p.Thr6507Ala (NM_133378.4); c.13282+17571A>G (NM_003319.4); c.13858+17571A>G (NM_133437.4); c.13657+17571A>G (NM_133432.3); short protein forms T6507A, T7434A, T7751A.
Identifiers: ClinVar variation 3895254 (VCV003895254.1), dbSNP rs763821900.

ClinVar aggregate classification (germline): Likely benign (1 of 4 stars; one submission).

gnomAD v4.1: 5 of 1,613,552 alleles (0.00031%); highest among the groups gnomAD compares: East Asian, 0.0045%; no homozygotes.

Submission:

Molecular Diagnostic Laboratory for Inherited Cardiovascular Disease, Montreal Heart Institute
Classification: Likely benign. Last evaluated: 2025-04-09. Review status: criteria provided, single submitter. Criteria: ACMG Guidelines, 2015. Collection method: clinical testing. Allele origin: germline. Affected: no.
Comment: BP1